The following is an entry in ClinVar:

ClinVar aggregate classification (germline): Pathogenic/Likely pathogenic. Review status: criteria provided, multiple submitters, no conflicts (2 of 4 stars). 3 submissions from 3 submitters: Pathogenic (1); Likely pathogenic (1). 1 of the submissions does not count toward it. Last evaluated 2024-03-17.

Conditions:
Channelopathy-associated congenital insensitivity to pain, autosomal recessive. Also called: ASYMBOLIA FOR PAIN; CONGENITAL ANALGESIA, AUTOSOMAL RECESSIVE; Insensitivity to pain, channelopathy-associated. Identifiers: Orphanet 88642, Orphanet 970, MedGen C1855739, MONDO:0009459, OMIM 243000.
Generalized epilepsy with febrile seizures plus, type 7 (GEFSP7). Also called: GEFS+, TYPE 7. Identifiers: Orphanet 36387, MedGen C2751778, MONDO:0013470, OMIM 613863.
Neuropathy, hereditary sensory and autonomic, type 2A (HSAN2A). Also called: HSAN IIA; MORVAN DISEASE; NEUROPATHY, CONGENITAL SENSORY; NEUROPATHY, HEREDITARY SENSORY RADICULAR, AUTOSOMAL RECESSIVE; NEUROPATHY, HEREDITARY SENSORY, TYPE IIA; NEUROPATHY, PROGRESSIVE SENSORY, OF CHILDREN. Identifiers: Orphanet 970, MedGen C2752089, MONDO:0024309, OMIM 201300.

Allele frequency attached by ClinVar (database versions not stated): gnomAD exomes below 0.00001 and 0.00001; TOPMed below 0.00001; gnomAD 0.00001 and 0.00003.
gnomAD v4.1: 13 of 1,613,926 alleles (0.00081%); highest among the groups gnomAD compares: Middle Eastern, 0.033%; 1 homozygote.

Submissions (3):

Genomic Medicine Center of Excellence, King Faisal Specialist Hospital and Research Centre
Classification: Likely pathogenic for Channelopathy-associated congenital insensitivity to pain, autosomal recessive. Last evaluated: 2024-03-17. Review status: criteria provided, single submitter. Criteria: ACMG Guidelines, 2015. Collection method: research. Allele origin: germline.

Labcorp Genetics (formerly Invitae), Labcorp
Classification: Pathogenic for Neuropathy, hereditary sensory and autonomic, type 2A; Generalized epilepsy with febrile seizures plus, type 7. Last evaluated: 2022-08-31. Review status: criteria provided, single submitter. Criteria: Invitae Variant Classification Sherloc (09022015). Collection method: clinical testing. Allele origin: germline.
Comment: Experimental studies have shown that this missense change affects SCN9A function (PMID: 20635406). Algorithms developed to predict the effect of missense changes on protein structure and function (SIFT, PolyPhen-2, Align-GVGD) all suggest that this variant is likely to be disruptive. ClinVar contains an entry for this variant (Variation ID: 938920). This missense change has been observed in individual(s) with autosomal recessive congenital insensitivity to pain (PMID: 20635406, 29978519). In at least one individual the data is consistent with being in trans (on the opposite chromosome) from a pathogenic variant. It has also been observed to segregate with disease in related individuals. This variant is present in population databases (no rsID available, gnomAD 0.008%). This sequence change replaces arginine, which is basic and polar, with glutamine, which is neutral and polar, at codon 896 of the SCN9A protein (p.Arg896Gln). For these reasons, this variant has been classified as Pathogenic. This variant disrupts the p.Arg896 amino acid residue in SCN9A. Other variant(s) that disrupt this residue have been observed in individuals with SCN9A-related conditions (PMID: 30795902), which suggests that this may be a clinically significant amino acid residue. Algorithms developed to predict the effect of sequence changes on RNA splicing suggest that this variant may create or strengthen a splice site.

Clinical Neuroscience, Fondazione IRCCS Istituto Neurologico Carlo Besta
Classification: Pathogenic for Channelopathy-associated congenital insensitivity to pain, autosomal recessive. Review status: no assertion criteria provided. Collection method: research. Allele origin: maternal, unknown. Inheritance: Autosomal recessive inheritance. Affected: yes and no. Observed: 3 variant alleles, 2 heterozygotes, 1 compound heterozygote. Not counted in ClinVar's aggregate classification.

Literature cited by the submitters: PubMed 20635406 (cited by Labcorp Genetics (formerly Invitae), Labcorp and Clinical Neuroscience, Fondazione IRCCS Istituto Neurologico Carlo Besta); PubMed 29978519 (cited by Labcorp Genetics (formerly Invitae), Labcorp and Clinical Neuroscience, Fondazione IRCCS Istituto Neurologico Carlo Besta); PubMed 30795902 (cited by Labcorp Genetics (formerly Invitae), Labcorp).

NM_001365536.1(SCN9A):c.2720G>A (p.Arg907Gln)

Genes: SCN9A (sodium voltage-gated channel alpha subunit 9; minus strand), SCN1A-AS1 (SCN1A and SCN9A antisense RNA 1; plus strand). Cytogenetic location: 2q24.3.
Variant type: single nucleotide variant.
Coding change: c.2720G>A on transcript NM_001365536.1 (MANE Select); coding-DNA position 2720, G replaced by A.
Protein change: p.Arg907Gln; replaces arginine 907 with glutamine.
Molecular consequence: missense variant. On other transcripts: non-coding transcript variant (1).
Genome position (GRCh38, 1-based): chr2:166,277,137, C>T on the plus strand (G>A on the coding strand, the complement: SCN9A is on the minus strand). VCF-style: chr2-166277137-C-T. GRCh37 (hg19) VCF-style: chr2-167133647-C-T.
Other names: c.2687G>A, p.Arg896Gln (NM_002977.4); short protein forms R907Q, R896Q.
Identifiers: ClinVar variation 938920 (VCV000938920.13), dbSNP rs1024152367, ClinGen allele CA59794605.